The following is an entry in ClinVar:

NM_002739.5(PRKCG):c.*84C>A

Gene: PRKCG (protein kinase C gamma; plus strand). Cytogenetic location: 19q13.42.
Variant type: single nucleotide variant.
Coding change: c.*84C>A on transcript NM_002739.5 (MANE Select); 84 bases downstream of the stop codon, C replaced by A.
Molecular consequence: 3 prime UTR variant. On other transcripts: intron variant (1).
Genome position (GRCh38, 1-based): chr19:53,906,979, C>A. VCF-style: chr19-53906979-C-A. GRCh37 (hg19) VCF-style: chr19-54410233-C-A.
Other names: c.2091-15C>A (NM_001316329.2).
Identifiers: ClinVar variation 894642 (VCV000894642.4), dbSNP rs995740073, ClinGen allele CA9640791.

ClinVar aggregate classification (germline): Likely benign (1 of 4 stars; one submission).

Conditions:
Spinocerebellar ataxia type 14 (SCA14). Identifiers: Orphanet 98763, MedGen C1854369, MONDO:0011540, OMIM 605361.

Allele frequency attached by ClinVar (database versions not stated): gnomAD 0.00010; TOPMed 0.00017; gnomAD exomes 0.00018; ExAC 0.00022.

Submission:

Illumina Laboratory Services, Illumina
Classification: Likely benign for Spinocerebellar ataxia type 14. Last evaluated: 2018-01-12. Review status: criteria provided, single submitter. Criteria: ICSL Variant Classification Criteria 13 December 2019. Collection method: clinical testing. Allele origin: germline.
Comment: This variant was observed in the ICSL laboratory as part of a predisposition screen in an ostensibly healthy population. It had not been previously curated by ICSL or reported in the Human Gene Mutation Database (HGMD: prior to June 1st, 2018), and was therefore a candidate for classification through an automated scoring system. Utilizing variant allele frequency, disease prevalence and penetrance estimates, and inheritance mode, an automated score was calculated to assess if this variant is too frequent to cause the disease. Based on the score and internal cut-off values, a variant classified as likely benign is not then subjected to further curation. The score for this variant resulted in a classification of likely benign for this disease.